The following is an entry in ClinVar:

NM_001111.5(ADAR):c.1924C>T (p.His642Tyr)

Gene: ADAR (adenosine deaminase RNA specific; minus strand). Cytogenetic location: 1q21.3.
Variant type: single nucleotide variant.
Coding change: c.1924C>T on transcript NM_001111.5 (MANE Select); coding-DNA position 1924, C replaced by T.
Protein change: p.His642Tyr; replaces histidine 642 with tyrosine.
Molecular consequence: missense variant.
Genome position (GRCh38, 1-based): chr1:154,597,838, G>A on the plus strand (C>T on the coding strand, the complement: ADAR is on the minus strand). VCF-style: chr1-154597838-G-A. GRCh37 (hg19) VCF-style: chr1-154570314-G-A.
Other names: c.1039C>T, p.His347Tyr (NM_001025107.3, NM_001193495.2, NM_001365046.1 and 3 more transcripts); c.1951C>T, p.His651Tyr (NM_001365045.1); c.1924C>T, p.His642Tyr (NM_015840.4, NM_015841.4); short protein forms H347Y, H642Y, H651Y.
Identifiers: ClinVar variation 1901787 (VCV001901787.5), dbSNP rs781394377, ClinGen allele CA1131432.

ClinVar aggregate classification (germline): Uncertain significance (1 of 4 stars; one submission).

Conditions:
Aicardi-Goutieres syndrome 6 (AGS6). Identifiers: Orphanet 51, MedGen C3539013, MONDO:0014007, OMIM 615010.
Symmetrical dyschromatosis of extremities (DSH). Also called: Dyschromatosis symmetrica hereditaria; DYSCHROMATOSIS SYMMETRICA HEREDITARIA 1; RETICULATE ACROPIGMENTATION OF DOHI; SYMMETRIC DYSCHROMATOSIS OF THE EXTREMITIES. Identifiers: Orphanet 41, MedGen C0406775, MONDO:0007483, OMIM 127400.

Allele frequency attached by ClinVar (database versions not stated): gnomAD exomes below 0.00001; TOPMed below 0.00001; ExAC 0.00001.
gnomAD v4.1: 2 of 1,614,142 alleles (0.00012%); highest among the groups gnomAD compares: Admixed American, 0.0033%; no homozygotes.

Submission:

Labcorp Genetics (formerly Invitae), Labcorp
Classification: Uncertain significance for Aicardi-Goutieres syndrome 6; Symmetrical dyschromatosis of extremities. Last evaluated: 2024-11-27. Review status: criteria provided, single submitter. Criteria: Invitae Variant Classification Sherloc (09022015). Collection method: clinical testing. Allele origin: germline.
Comment: This sequence change replaces histidine, which is basic and polar, with tyrosine, which is neutral and polar, at codon 642 of the ADAR protein (p.His642Tyr). This variant is present in population databases (rs781394377, gnomAD 0.006%). This variant has not been reported in the literature in individuals affected with ADAR-related conditions. ClinVar contains an entry for this variant (Variation ID: 1901787). Invitae Evidence Modeling of protein sequence and biophysical properties (such as structural, functional, and spatial information, amino acid conservation, physicochemical variation, residue mobility, and thermodynamic stability) indicates that this missense variant is not expected to disrupt ADAR protein function with a negative predictive value of 80%. In summary, the available evidence is currently insufficient to determine the role of this variant in disease. Therefore, it has been classified as a Variant of Uncertain Significance.